The following is an entry in ClinVar:

NM_000465.4(BARD1):c.2042G>A (p.Gly681Glu)

Gene: BARD1 (BRCA1 associated RING domain 1; minus strand). Cytogenetic location: 2q35.
Variant type: single nucleotide variant.
Coding change: c.2042G>A on transcript NM_000465.4 (MANE Select); coding-DNA position 2042, G replaced by A.
Protein change: p.Gly681Glu; replaces glycine 681 with glutamic acid.
Molecular consequence: missense variant. On other transcripts: non-coding transcript variant (3).
Genome position (GRCh38, 1-based): chr2:214,728,968, C>T on the plus strand (G>A on the coding strand, the complement: BARD1 is on the minus strand). VCF-style: chr2-214728968-C-T. GRCh37 (hg19) VCF-style: chr2-215593692-C-T.
Other names: c.1985G>A, p.Gly662Glu (NM_001282543.2); c.689G>A, p.Gly230Glu (NM_001282545.2); c.632G>A, p.Gly211Glu (NM_001282548.2); c.503G>A, p.Gly168Glu (NM_001282549.2); c.2042G>A (NM_000465.2); short protein forms G168E, G681E, G211E, G230E, G662E.
Identifiers: ClinVar variation 921087 (VCV000921087.7), dbSNP rs1327571102, ClinGen allele CA350450740.

ClinVar aggregate classification (germline): Uncertain significance. Review status: criteria provided, multiple submitters, no conflicts (2 of 4 stars). 3 submissions from 3 submitters: Uncertain significance (3). Last evaluated 2024-03-06.

Conditions:
Hereditary cancer-predisposing syndrome. Also called: Neoplastic Syndromes, Hereditary; Tumor predisposition; Hereditary Cancer Syndrome; Hereditary neoplastic syndrome. Identifiers: Orphanet 140162, MedGen C0027672, MeSH D009386, MONDO:0015356.
Familial cancer of breast. Also called: BREAST CANCER, FAMILIAL; Hereditary breast cancer; hereditary breast carcinoma. Identifiers: Orphanet 227535, MedGen C0346153, MONDO:0016419, OMIM 114480. Disease mechanism: loss of function.

Submissions (3):

Color Diagnostics, LLC DBA Color Health
Classification: Uncertain significance for Hereditary cancer-predisposing syndrome. Last evaluated: 2024-03-06. Review status: criteria provided, single submitter. Criteria: ACMG Guidelines, 2015. Collection method: clinical testing. Allele origin: germline.
Comment: This missense variant replaces glycine with glutamic acid at codon 681 of the BARD1 protein. Computational prediction tool is inconclusive regarding the impact of this variant on protein structure and function (internally defined REVEL score threshold 0.5 < inconclusive < 0.7, PMID: 27666373). Splice site prediction tools suggest that this variant may not impact RNA splicing. To our knowledge, functional studies have not been performed for this variant. This variant has not been reported in individuals affected with hereditary cancer in the literature. This variant has not been identified in the general population by the Genome Aggregation Database (gnomAD). The available evidence is insufficient to determine the role of this variant in disease conclusively. Therefore, this variant is classified as a Variant of Uncertain Significance.

Ambry Genetics
Classification: Uncertain significance for Hereditary cancer-predisposing syndrome. Last evaluated: 2024-01-05. Review status: criteria provided, single submitter. Criteria: Ambry Variant Classification Scheme 2023. Collection method: clinical testing. Allele origin: germline.
Comment: The p.G681E variant (also known as c.2042G>A), located in coding exon 11 of the BARD1 gene, results from a G to A substitution at nucleotide position 2042. The glycine at codon 681 is replaced by glutamic acid, an amino acid with similar properties. This amino acid position is highly conserved in available vertebrate species. In addition, the in silico prediction for this alteration is inconclusive. Since supporting evidence is limited at this time, the clinical significance of this alteration remains unclear.

Labcorp Genetics (formerly Invitae), Labcorp
Classification: Uncertain significance for Familial cancer of breast. Last evaluated: 2023-11-01. Review status: criteria provided, single submitter. Criteria: Invitae Variant Classification Sherloc (09022015). Collection method: clinical testing. Allele origin: germline.
Comment: This sequence change replaces glycine, which is neutral and non-polar, with glutamic acid, which is acidic and polar, at codon 681 of the BARD1 protein (p.Gly681Glu). This variant is not present in population databases (gnomAD no frequency). This variant has not been reported in the literature in individuals affected with BARD1-related conditions. ClinVar contains an entry for this variant (Variation ID: 921087). An algorithm developed to predict the effect of missense changes on protein structure and function (PolyPhen-2) suggests that this variant is likely to be disruptive. In summary, the available evidence is currently insufficient to determine the role of this variant in disease. Therefore, it has been classified as a Variant of Uncertain Significance.